The following is an entry in ClinVar:

NM_001105206.3(LAMA4):c.1552-184A>G

Gene: LAMA4 (laminin subunit alpha 4; minus strand). Cytogenetic location: 6q21.
Variant type: single nucleotide variant.
Coding change: c.1552-184A>G on transcript NM_001105206.3 (MANE Select); 184 bases into the intron before coding-DNA position 1552, A replaced by G.
Molecular consequence: intron variant.
Genome position (GRCh38, 1-based): chr6:112,165,460, T>C on the plus strand (A>G on the coding strand, the complement: LAMA4 is on the minus strand). VCF-style: chr6-112165460-T-C. GRCh37 (hg19) VCF-style: chr6-112486662-T-C.
Other names: c.1531-184A>G (NM_002290.5, NM_001105207.3).
Identifiers: ClinVar variation 675654 (VCV000675654.2), dbSNP rs76037699, ClinGen allele CA144874150.

ClinVar aggregate classification (germline): Likely benign. Review status: criteria provided, multiple submitters, no conflicts (2 of 4 stars). 2 submissions from 2 submitters: Likely benign (2). Last evaluated 2018-06-16.

Allele frequency attached by ClinVar (database versions not stated): 1000 Genomes Project 30x 0.00172; 1000 Genomes Project 0.00200; TOPMed 0.00369; gnomAD 0.00491 and 0.00510.
gnomAD v4.1: 742 of 152,330 alleles (0.49%); highest among the groups gnomAD compares: Non-Finnish European, 0.77%; 1 homozygote.

Submissions (2):

GeneDx
Classification: Likely benign. Last evaluated: 2018-06-16. Review status: criteria provided, single submitter. Criteria: GeneDx Variant Classification (06012015). Collection method: clinical testing. Allele origin: germline. Affected: yes.
Comment: This variant is considered likely benign or benign based on one or more of the following criteria: it is a conservative change, it occurs at a poorly conserved position in the protein, it is predicted to be benign by multiple in silico algorithms, and/or has population frequency not consistent with disease.

Breakthrough Genomics
Classification: Likely benign. Review status: criteria provided, single submitter. Criteria: ACMG Guidelines, 2015. Collection method: not provided. Allele origin: germline. Inheritance: Autosomal dominant inheritance. Affected: yes.